The following is an entry in ClinVar:

NM_000018.4(ACADVL):c.465_466dup (p.Cys156fs)

Gene: ACADVL (acyl-CoA dehydrogenase very long chain; plus strand). Cytogenetic location: 17p13.1.
Variant type: Duplication.
Coding change: c.465_466dup on transcript NM_000018.4 (MANE Select); coding-DNA positions 465 to 466, 2 bases duplicated (TT; older notation c.465_466dupTT).
Protein change: p.Cys156fs; shifts the reading frame from cysteine 156.
Molecular consequence: frameshift variant.
Genome position (GRCh38, 1-based): chr17:7,221,046-7,221,047, TT duplicated; duplicating any 2 consecutive bases within chr17:7,221,045-7,221,047 gives the same sequence; the c. name uses the placement nearest the transcript's 3' end. VCF-style (leftmost placement, unchanged base first): chr17-7221044-C-CTT. GRCh37 (hg19) VCF-style: chr17-7124363-C-CTT.
Other names: c.399_400dup, p.Cys134fs (NM_001033859.3); c.534_535dup, p.Cys179fs (NM_001270447.2); c.237_238dup, p.Cys80fs (NM_001270448.2); short protein forms C179fs, C80fs, C134fs, C156fs.
Identifiers: ClinVar variation 1458252 (VCV001458252.6), dbSNP rs2142969858, ClinGen allele CA2573154537.

ClinVar aggregate classification (germline): Pathogenic (1 of 4 stars; one submission).

Conditions:
Very long chain acyl-CoA dehydrogenase deficiency (ACADVLD). Also called: VLCAD Deficiency; Very Long-Chain Acyl-Coenzyme A Dehydrogenase Deficiency. Identifiers: Orphanet 26793, MedGen C3887523, MONDO:0008723, OMIM 201475.

Submission:

Labcorp Genetics (formerly Invitae), Labcorp
Classification: Pathogenic for Very long chain acyl-CoA dehydrogenase deficiency. Last evaluated: 2021-10-25. Review status: criteria provided, single submitter. Criteria: Invitae Variant Classification Sherloc (09022015). Collection method: clinical testing. Allele origin: germline.
Comment: This sequence change creates a premature translational stop signal (p.Cys156Phefs*62) in the ACADVL gene. It is expected to result in an absent or disrupted protein product. Loss-of-function variants in ACADVL are known to be pathogenic (PMID: 9973285, 11590124). For these reasons, this variant has been classified as Pathogenic. This variant has not been reported in the literature in individuals affected with ACADVL-related conditions. This variant is not present in population databases (gnomAD no frequency).

Literature cited by the submitters: PubMed 9973285; PubMed 11590124.